The following is an entry in ClinVar:

NM_022356.4(P3H1):c.791del (p.Leu264fs)

Gene: P3H1 (prolyl 3-hydroxylase 1; minus strand). Cytogenetic location: 1p34.2.
Variant type: Deletion.
Coding change: c.791del on transcript NM_022356.4 (MANE Select); coding-DNA position 791, one base deleted (T; older notation c.791delT).
Protein change: p.Leu264fs; shifts the reading frame from leucine 264.
Molecular consequence: frameshift variant.
Genome position (GRCh38, 1-based): chr1:42,759,218, A deleted on the plus strand (T on the coding strand, the reverse complement: P3H1 is on the minus strand). VCF-style (leftmost placement, unchanged base first): chr1-42759217-GA-G. GRCh37 (hg19) VCF-style: chr1-43224888-GA-G.
Other names: c.791del, p.Leu264fs (NM_001146289.2, NM_001243246.2); short protein forms L264fs.
Identifiers: ClinVar variation 2710150 (VCV002710150.3), dbSNP rs2524471874, ClinGen allele CA2697552332.
Genomic context (GRCh38, chr1:42,759,217, plus strand): 5'-TCCCAGGAGGCCTGGCTGAAGGTCTGGCTCTGAACTGCACGCACCTGTGATGGCCTGGAA[GA>G]GGTCAGCGTTGTACTCAAGGTAGTTGTAGCCATCGTAGTCATAGGGCCCTTCGCAGAGGG-3'

ClinVar aggregate classification (germline): Pathogenic (1 of 4 stars; one submission).

Conditions:
Osteogenesis imperfecta type 8 (OI8). Identifiers: MedGen C1970458, MONDO:0012581, OMIM 610915.

Submission:

Labcorp Genetics (formerly Invitae), Labcorp
Classification: Pathogenic for Osteogenesis imperfecta type 8. Last evaluated: 2024-01-18. Review status: criteria provided, single submitter. Criteria: Invitae Variant Classification Sherloc (09022015). Collection method: clinical testing. Allele origin: germline.
Comment: This sequence change creates a premature translational stop signal (p.Leu264Profs*73) in the P3H1 gene. It is expected to result in an absent or disrupted protein product. Loss-of-function variants in P3H1 are known to be pathogenic (PMID: 17277775, 18566967, 19088120, 22281939). This variant is not present in population databases (gnomAD no frequency). This variant has not been reported in the literature in individuals affected with P3H1-related conditions. For these reasons, this variant has been classified as Pathogenic.

Literature cited by the submitters: PubMed 17277775; PubMed 18566967; PubMed 19088120; PubMed 22281939.